The following is an entry in ClinVar:

ClinVar aggregate classification (germline): Benign/Likely benign. Review status: criteria provided, multiple submitters, no conflicts (2 of 4 stars). 4 submissions from 4 submitters: Benign (1); Likely benign (3). Last evaluated 2025-12-17.

Conditions:
Hereditary cancer-predisposing syndrome. Also called: Neoplastic Syndromes, Hereditary; Tumor predisposition; Hereditary neoplastic syndrome; Hereditary Cancer Syndrome. Identifiers: Orphanet 140162, MedGen C0027672, MeSH D009386, MONDO:0015356.
Multiple endocrine neoplasia, type 1 (MEN1). Also called: MEN I; WERMER SYNDROME; Endocrine adenomatosis multiple; MEN 1; MEA I. Identifiers: Orphanet 652, MedGen C0025267, MeSH D018761, MONDO:0007540, OMIM 131100.

Allele frequency attached by ClinVar (database versions not stated): ExAC 0.00002.
gnomAD v4.1: 4 of 1,605,786 alleles (0.00025%); highest among the groups gnomAD compares: East Asian, 0.0067%; no homozygotes.

Submissions (4):

Labcorp Genetics (formerly Invitae), Labcorp
Classification: Likely benign for Multiple endocrine neoplasia, type 1. Last evaluated: 2025-12-17. Review status: criteria provided, single submitter. Criteria: Invitae Variant Classification Sherloc (09022015). Collection method: clinical testing. Allele origin: germline.

Myriad Genetics, Inc.
Classification: Benign for Multiple endocrine neoplasia, type 1. Last evaluated: 2024-10-31. Review status: criteria provided, single submitter. Criteria: Myriad Autosomal Dominant, Autosomal Recessive and X-Linked Classification Criteria (2023). Collection method: clinical testing. Allele origin: unknown.
Comment: This variant is considered benign. This variant is a silent/synonymous amino acid change and it is not expected to impact splicing.

Ambry Genetics
Classification: Likely benign for Hereditary cancer-predisposing syndrome. Last evaluated: 2023-09-28. Review status: criteria provided, single submitter. Criteria: Ambry Variant Classification Scheme 2023. Collection method: clinical testing. Allele origin: germline.

Color Diagnostics, LLC DBA Color Health
Classification: Likely benign for Multiple endocrine neoplasia, type 1. Last evaluated: 2023-04-23. Review status: criteria provided, single submitter. Criteria: ACMG Guidelines, 2015. Collection method: clinical testing. Allele origin: germline.

NM_001370259.2(MEN1):c.100C>T (p.Leu34=)

Gene: MEN1 (menin 1; minus strand). Cytogenetic location: 11q13.1.
Variant type: single nucleotide variant.
Coding change: c.100C>T on transcript NM_001370259.2 (MANE Select); coding-DNA position 100, C replaced by T.
Protein change: p.Leu34=; no amino-acid change (leucine 34 retained).
Molecular consequence: synonymous variant.
Genome position (GRCh38, 1-based): chr11:64,810,010, G>A on the plus strand (C>T on the coding strand, the complement: MEN1 is on the minus strand). VCF-style: chr11-64810010-G-A. GRCh37 (hg19) VCF-style: chr11-64577482-G-A.
Other names: c.100C>T, p.Leu34= (NM_000244.4, NM_001370251.2, NM_001370260.2 and 9 more transcripts).
Identifiers: ClinVar variation 527304 (VCV000527304.13), dbSNP rs771554497, ClinGen allele CA059683.